The following is an entry in ClinVar:

NM_001374353.1(GLI2):c.1686C>G (p.Ser562Arg)

Gene: GLI2 (GLI family zinc finger 2; plus strand). Cytogenetic location: 2q14.2.
Variant type: single nucleotide variant.
Coding change: c.1686C>G on transcript NM_001374353.1 (MANE Select); coding-DNA position 1686, C replaced by G.
Protein change: p.Ser562Arg; replaces serine 562 with arginine.
Molecular consequence: missense variant.
Genome position (GRCh38, 1-based): chr2:120,984,524, C>G. VCF-style: chr2-120984524-C-G. GRCh37 (hg19) VCF-style: chr2-121742100-C-G.
Other names: c.1737C>G, p.Ser579Arg (NM_001371271.1, NM_005270.5); c.1311C>G, p.Ser437Arg (NM_001374354.1); short protein forms S437R, S562R, S579R.
Identifiers: ClinVar variation 4688702 (VCV004688702.1).

ClinVar aggregate classification (germline): Uncertain significance (1 of 4 stars; one submission).

Submission:

Women's Health and Genetics/Laboratory Corporation of America, LabCorp
Classification: Uncertain significance. Last evaluated: 2025-12-01. Review status: criteria provided, single submitter. Criteria: LabCorp Variant Classification Summary - May 2015. Collection method: clinical testing. Allele origin: germline.
Comment: Variant summary: GLI2 c.1737C>G (p.Ser579Arg) results in a non-conservative amino acid change in the encoded protein sequence. Algorithms developed to predict the effect of missense changes on protein structure and function are either unavailable or do not agree on the potential impact of this missense change. The variant was absent in 251462 control chromosomes. The available data on variant occurrences in the general population are insufficient to allow any conclusion about variant significance. To our knowledge, no occurrence of c.1737C>G in individuals affected with GLI2-related conditions and no experimental evidence demonstrating its impact on protein function have been reported. No submitters have cited clinical-significance assessments for this variant to ClinVar. Based on the evidence outlined above, the variant was classified as uncertain significance.